The following is an entry in ClinVar:

ClinVar aggregate classification (germline): Uncertain significance. Review status: criteria provided, multiple submitters, no conflicts (2 of 4 stars). 2 submissions from 2 submitters: Uncertain significance (2). Last evaluated 2025-07-15.

Conditions:
Aortic valve disease 2 (AOVD2). Identifiers: MedGen C3542024, MONDO:0013902, OMIM 614823.
Inborn genetic diseases. Identifiers: MedGen C0950123, MeSH D030342.

Allele frequency attached by ClinVar (database versions not stated): ExAC below 0.00001; TOPMed 0.00005; gnomAD exomes 0.00023.

Submissions (2):

Ambry Genetics
Classification: Uncertain significance for Inborn genetic diseases. Last evaluated: 2025-07-15. Review status: criteria provided, single submitter. Criteria: Ambry Variant Classification Scheme 2023. Collection method: clinical testing. Allele origin: germline.

Labcorp Genetics (formerly Invitae), Labcorp
Classification: Uncertain significance for Aortic valve disease 2. Last evaluated: 2020-10-01. Review status: criteria provided, single submitter. Criteria: Invitae Variant Classification Sherloc (09022015). Collection method: clinical testing. Allele origin: germline.
Comment: Algorithms developed to predict the effect of missense changes on protein structure and function output the following: SIFT: "Tolerated"; PolyPhen-2: "Benign"; Align-GVGD: "Class C0". The serine amino acid residue is found in multiple mammalian species, suggesting that this missense change does not adversely affect protein function. These predictions have not been confirmed by published functional studies and their clinical significance is uncertain. In summary, the available evidence is currently insufficient to determine the role of this variant in disease. Therefore, it has been classified as a Variant of Uncertain Significance. This variant has not been reported in the literature in individuals with SMAD6-related conditions. The frequency data for this variant in the population databases is considered unreliable, as metrics indicate poor data quality at this position in the ExAC database. This sequence change replaces proline with serine at codon 110 of the SMAD6 protein (p.Pro110Ser). The proline residue is moderately conserved and there is a moderate physicochemical difference between proline and serine.

NM_005585.5(SMAD6):c.328C>T (p.Pro110Ser)

Gene: SMAD6 (SMAD family member 6; plus strand). Cytogenetic location: 15q22.31.
Variant type: single nucleotide variant.
Coding change: c.328C>T on transcript NM_005585.5 (MANE Select); coding-DNA position 328, C replaced by T.
Protein change: p.Pro110Ser; replaces proline 110 with serine.
Molecular consequence: missense variant. On other transcripts: non-coding transcript variant (1).
Genome position (GRCh38, 1-based): chr15:66,703,586, C>T. VCF-style: chr15-66703586-C-T. GRCh37 (hg19) VCF-style: chr15-66995924-C-T.
Other names: c.328C>T (NM_005585.4); short protein forms P110S.
Identifiers: ClinVar variation 1035916 (VCV001035916.11), dbSNP rs773431944, ClinGen allele CA7626454.